The following is an entry in ClinVar:

ClinVar aggregate classification (germline): Uncertain significance (1 of 4 stars; one submission).

Conditions:
ENAM-related disorder. Also called: ENAM-related condition.

gnomAD v4.1: 18 of 1,613,370 alleles (0.0011%); highest among the groups gnomAD compares: Admixed American, 0.0033%; no homozygotes.

Submission:

PreventionGenetics, part of Exact Sciences
Classification: Uncertain significance for ENAM-related condition. Last evaluated: 2026-06-12. Review status: criteria provided, single submitter. Criteria: ACMG Guidelines, 2015. Collection method: clinical testing. Allele origin: germline.
Comment: The ENAM c.3132G>T variant is predicted to result in the amino acid substitution p.Arg1044Ser. To our knowledge, this variant has not been reported in the literature. This variant is reported in 0.0015% of alleles in individuals of European (Non-Finnish) descent in gnomAD. At this time, the clinical significance of this variant is uncertain due to the absence of conclusive functional and genetic evidence.

NM_031889.3(ENAM):c.3132G>T (p.Arg1044Ser)

Gene: ENAM (enamelin; plus strand). Cytogenetic location: 4q13.3.
Variant type: single nucleotide variant.
Coding change: c.3132G>T on transcript NM_031889.3 (MANE Select); coding-DNA position 3132, G replaced by T.
Protein change: p.Arg1044Ser; replaces arginine 1044 with serine.
Molecular consequence: missense variant.
Genome position (GRCh38, 1-based): chr4:70,644,558, G>T. VCF-style: chr4-70644558-G-T. GRCh37 (hg19) VCF-style: chr4-71510275-G-T.
Other names: c.2478G>T, p.Arg826Ser (NM_001368133.1); short protein forms R1044S, R826S.
Identifiers: ClinVar variation 4978496 (VCV004978496.1).